The following is an entry in ClinVar:

ClinVar aggregate classification (germline): Uncertain significance. Review status: criteria provided, multiple submitters, no conflicts (2 of 4 stars). 2 submissions from 2 submitters: Uncertain significance (2). Last evaluated 2026-02-19.

Conditions:
Primary ciliary dyskinesia 11. Also called: CILIARY DYSKINESIA, PRIMARY, 11, WITHOUT SITUS INVERSUS. Identifiers: Orphanet 244, MedGen C2675229, MONDO:0012978, OMIM 612649.
Primary ciliary dyskinesia. Also called: Ciliary dyskinesia. Identifiers: Orphanet 244, MedGen C0008780, MONDO:0016575, HP:0012265.

Allele frequency attached by ClinVar (database versions not stated): gnomAD 0.00001.
gnomAD v4.1: 25 of 1,607,486 alleles (0.0016%); highest among the groups gnomAD compares: Non-Finnish European, 0.0019%; no homozygotes.

Submissions (2):

Ambry Genetics
Classification: Uncertain significance for Primary ciliary dyskinesia. Last evaluated: 2026-02-19. Review status: criteria provided, single submitter. Criteria: Ambry Variant Classification Scheme 2023. Collection method: clinical testing. Allele origin: germline.
Comment: The p.R610Q variant (also known as c.1829G>A), located in coding exon 5 of the RSPH4A gene, results from a G to A substitution at nucleotide position 1829. The arginine at codon 610 is replaced by glutamine, an amino acid with highly similar properties. This amino acid position is conserved. In addition, this alteration is predicted to be tolerated by in silico analysis. Based on the available evidence, the clinical significance of this variant remains unclear.

Revvity Omics, Revvity
Classification: Uncertain significance for Primary ciliary dyskinesia 11. Last evaluated: 2020-08-28. Review status: criteria provided, single submitter. Criteria: ACMG Guidelines, 2015. Collection method: clinical testing. Allele origin: germline.

NM_001010892.3(RSPH4A):c.1829G>A (p.Arg610Gln)

Gene: RSPH4A (radial spoke head component 4A; plus strand). Cytogenetic location: 6q22.1.
Variant type: single nucleotide variant.
Coding change: c.1829G>A on transcript NM_001010892.3 (MANE Select); coding-DNA position 1829, G replaced by A.
Protein change: p.Arg610Gln; replaces arginine 610 with glutamine.
Molecular consequence: missense variant.
Genome position (GRCh38, 1-based): chr6:116,630,465, G>A. VCF-style: chr6-116630465-G-A. GRCh37 (hg19) VCF-style: chr6-116951628-G-A.
Other names: c.1693G>A, p.Gly565Ser (NM_001161664.2); c.1829G>A (NM_001010892.2); short protein forms G565S, R610Q.
Identifiers: ClinVar variation 2435486 (VCV002435486.5), dbSNP rs751741926, ClinGen allele CA3971055.